The following is an entry in ClinVar:

ClinVar aggregate classification (germline): Pathogenic (1 of 4 stars; one submission).

Conditions:
Birt-Hogg-Dube syndrome. Also called: Birt Hogg Dubé syndrome. Identifiers: Orphanet 122, MedGen C0346010, MONDO:0800444.

Submission:

Labcorp Genetics (formerly Invitae), Labcorp
Classification: Pathogenic for Birt-Hogg-Dube syndrome. Last evaluated: 2024-10-07. Review status: criteria provided, single submitter. Criteria: Invitae Variant Classification Sherloc (09022015). Collection method: clinical testing. Allele origin: germline.
Comment: This sequence change creates a premature translational stop signal (p.Val381Trpfs*87) in the FLCN gene. It is expected to result in an absent or disrupted protein product. Loss-of-function variants in FLCN are known to be pathogenic (PMID: 15852235). This variant is not present in population databases (gnomAD no frequency). This variant has not been reported in the literature in individuals affected with FLCN-related conditions. ClinVar contains an entry for this variant (Variation ID: 1456327). For these reasons, this variant has been classified as Pathogenic.

Literature cited by the submitters: PubMed 15852235.

NM_144997.7(FLCN):c.1141del (p.Val381fs)

Gene: FLCN (folliculin; minus strand). Cytogenetic location: 17p11.2.
Variant type: Deletion.
Coding change: c.1141del on transcript NM_144997.7 (MANE Select); coding-DNA position 1141, one base deleted (G; older notation c.1141delG).
Protein change: p.Val381fs; shifts the reading frame from valine 381.
Molecular consequence: frameshift variant.
Genome position (GRCh38, 1-based): chr17:17,217,104, C deleted on the plus strand (G on the coding strand, the reverse complement: FLCN is on the minus strand). VCF-style (leftmost placement, unchanged base first): chr17-17217103-AC-A. GRCh37 (hg19) VCF-style: chr17-17120417-AC-A.
Other names: c.1195del, p.Val399fs (NM_001353229.2); c.1141del, p.Val381fs (NM_001353230.2, NM_001353231.2); short protein forms V381fs, V399fs.
Identifiers: ClinVar variation 1456327 (VCV001456327.6), dbSNP rs2144869487, ClinGen allele CA2573130317.